The following is an entry in ClinVar:

ClinVar aggregate classification (germline): Uncertain significance (1 of 4 stars; one submission).

Allele frequency attached by ClinVar (database versions not stated): gnomAD exomes below 0.00001; gnomAD 0.00001; TOPMed 0.00002.

Submission:

Labcorp Genetics (formerly Invitae), Labcorp
Classification: Uncertain significance. Last evaluated: 2023-08-29. Review status: criteria provided, single submitter. Criteria: Invitae Variant Classification Sherloc (09022015). Collection method: clinical testing. Allele origin: germline.
Comment: In summary, the available evidence is currently insufficient to determine the role of this variant in disease. Therefore, it has been classified as a Variant of Uncertain Significance. This variant has not been reported in the literature in individuals affected with HPS6-related conditions. This variant is not present in population databases (gnomAD no frequency). This sequence change affects codon 288 of the HPS6 mRNA. It is a 'silent' change, meaning that it does not change the encoded amino acid sequence of the HPS6 protein.

NM_024747.6(HPS6):c.864T>C (p.Thr288=)

Gene: HPS6 (HPS6 biogenesis of lysosomal organelles complex 2 subunit 3; plus strand). Cytogenetic location: 10q24.32.
Variant type: single nucleotide variant.
Coding change: c.864T>C on transcript NM_024747.6 (MANE Select); coding-DNA position 864, T replaced by C.
Protein change: p.Thr288=; no amino-acid change (threonine 288 retained).
Molecular consequence: synonymous variant.
Genome position (GRCh38, 1-based): chr10:102,066,338, T>C. VCF-style: chr10-102066338-T-C. GRCh37 (hg19) VCF-style: chr10-103826095-T-C.
Identifiers: ClinVar variation 2805816 (VCV002805816.3), dbSNP rs921307961, ClinGen allele CA212200567.